The following is an entry in ClinVar:

NM_020719.3(PRR12):c.4085C>T (p.Pro1362Leu)

Gene: PRR12 (proline rich 12; plus strand). Cytogenetic location: 19q13.33.
Variant type: single nucleotide variant.
Coding change: c.4085C>T on transcript NM_020719.3 (MANE Select); coding-DNA position 4085, C replaced by T.
Protein change: p.Pro1362Leu; replaces proline 1362 with leucine.
Molecular consequence: missense variant.
Genome position (GRCh38, 1-based): chr19:49,599,678, C>T. VCF-style: chr19-49599678-C-T. GRCh37 (hg19) VCF-style: chr19-50102935-C-T.
Other names: short protein forms P1362L.
Identifiers: ClinVar variation 2504419 (VCV002504419.1), dbSNP rs2514277873, ClinGen allele CA406890509.

ClinVar aggregate classification (germline): Uncertain significance (1 of 4 stars; one submission).

Submission:

GeneDx
Classification: Uncertain significance. Last evaluated: 2022-12-01. Review status: criteria provided, single submitter. Criteria: GeneDx Variant Classification Process June 2021. Collection method: clinical testing. Allele origin: germline. Affected: yes.
Comment: Not observed at significant frequency in large population cohorts (gnomAD); In silico analysis supports that this missense variant has a deleterious effect on protein structure/function; Has not been previously published as pathogenic or benign to our knowledge